The following is an entry in ClinVar:

NM_001085458.2(CTNND1):c.2173C>T (p.Arg725Trp)

Genes: CTNND1 (catenin delta 1; plus strand), TMX2-CTNND1 (TMX2-CTNND1 readthrough (NMD candidate); plus strand). Cytogenetic location: 11q12.1.
Variant type: single nucleotide variant.
Coding change: c.2173C>T on transcript NM_001085458.2 (MANE Select); coding-DNA position 2173, C replaced by T.
Protein change: p.Arg725Trp; replaces arginine 725 with tryptophan.
Molecular consequence: missense variant. On other transcripts: non-coding transcript variant (1).
Genome position (GRCh38, 1-based): chr11:57,808,471, C>T. VCF-style: chr11-57808471-C-T. GRCh37 (hg19) VCF-style: chr11-57575943-C-T.
Other names: c.2155C>T, p.Arg719Trp (NM_001085459.2, NM_001085460.2, NM_001085461.2 and 2 more transcripts); c.1870C>T, p.Arg624Trp (NM_001085463.2, NM_001085466.2); c.1852C>T, p.Arg618Trp (NM_001085464.2, NM_001085465.2, NM_001085467.2 and 3 more transcripts); c.2011C>T, p.Arg671Trp (NM_001206883.2, NM_001206884.2); c.2173C>T, p.Arg725Trp (NM_001206885.2); c.1993C>T, p.Arg665Trp (NM_001206886.2, NM_001206887.2, NM_001206888.2 and 2 more transcripts); short protein forms R618W, R624W, R665W, R671W, R719W, R725W.
Identifiers: ClinVar variation 3033492 (VCV003033492.2), dbSNP rs199570555, ClinGen allele CA6010608.
Genomic context (GRCh38, chr11:57,808,471, plus strand): 5'-GCTCTGCGTCAAGAGAAGGCTCTTTCTGCCATAGCTGACCTCCTGACTAATGAACATGAA[C>T]GGGTGGTGAAAGCTGCATCTGGAGCACTGAGAAACCTGGCTGTGGATGCTCGCAACAAAG-3'
Protein context (NP_001078927.1, residues 715-735): IADLLTNEHE[Arg725Trp]VVKAASGALR

ClinVar aggregate classification (germline): Benign (0 of 4 stars; one submission).

Conditions:
CTNND1-related disorder. Also called: CTNND1-related condition.

Allele frequency attached by ClinVar (database versions not stated): ESP Exome Variant Server 0.00016; TOPMed 0.00017; gnomAD exomes 0.00046; gnomAD 0.00060; ExAC 0.00066.
gnomAD v4.1: 754 of 1,612,908 alleles (0.047%); highest among the groups gnomAD compares: Non-Finnish European, 0.027%; 3 homozygotes.

Submission:

PreventionGenetics, part of Exact Sciences
Classification: Benign for CTNND1-related condition. Last evaluated: 2019-06-12. Review status: no assertion criteria provided. Collection method: clinical testing. Allele origin: germline.
Comment: This variant is classified as benign based on ACMG/AMP sequence variant interpretation guidelines (Richards et al. 2015 PMID: 25741868, with internal and published modifications).